The following is an entry in ClinVar:

ClinVar aggregate classification (germline): Uncertain significance (1 of 4 stars; one submission).

Allele frequency attached by ClinVar (database versions not stated): gnomAD exomes below 0.00001; ExAC 0.00001.
gnomAD v4.1: 2 of 1,614,088 alleles (0.00012%); highest among the groups gnomAD compares: Non-Finnish European, 0.00017%; no homozygotes.

Submission:

Ambry Genetics
Classification: Uncertain significance. Last evaluated: 2023-08-26. Review status: criteria provided, single submitter. Criteria: Ambry Variant Classification Scheme 2023. Collection method: clinical testing. Allele origin: germline.
Comment: The p.S951G variant (also known as c.2851A>G), located in coding exon 25 of the KIF1B gene, results from an A to G substitution at nucleotide position 2851. The serine at codon 951 is replaced by glycine, an amino acid with similar properties. This amino acid position is not well conserved in available vertebrate species. In addition, this alteration is predicted to be tolerated by in silico analysis. Since supporting evidence is limited at this time, the clinical significance of this alteration remains unclear.

NM_001365951.3(KIF1B):c.2989A>G (p.Ser997Gly)

Gene: KIF1B (kinesin family member 1B; plus strand). Cytogenetic location: 1p36.22.
Variant type: single nucleotide variant.
Coding change: c.2989A>G on transcript NM_001365951.3 (MANE Select); coding-DNA position 2989, A replaced by G.
Protein change: p.Ser997Gly; replaces serine 997 with glycine.
Molecular consequence: missense variant.
Genome position (GRCh38, 1-based): chr1:10,334,584, A>G. VCF-style: chr1-10334584-A-G. GRCh37 (hg19) VCF-style: chr1-10394642-A-G.
Other names: c.2989A>G, p.Ser997Gly (NM_001365952.1); c.2851A>G, p.Ser951Gly (NM_015074.3); short protein forms S997G, S951G.
Identifiers: ClinVar variation 1796841 (VCV001796841.3), dbSNP rs778056735, ClinGen allele CA581663.
Genomic context (GRCh38, chr1:10,334,584, plus strand): 5'-TTTGTTTACCTGAGCAATCTGCTGTATCCCGTGCCCCTGATCCACAGGGTGGCCATCGTC[A>G]GTGAGAAAGGTGAAGTGCGGGGATTTCTGCGTGTGGCTGTACAGGCCATCGCAGGTAGGT-3'
Protein context (NP_001352880.1, residues 987-1007): VPLIHRVAIV[Ser997Gly]EKGEVRGFLR